The following is an entry in ClinVar:

NM_006514.4(SCN10A):c.4266T>A (p.Asn1422Lys)

Gene: SCN10A (sodium voltage-gated channel alpha subunit 10; minus strand). Cytogenetic location: 3p22.2.
Variant type: single nucleotide variant.
Coding change: c.4266T>A on transcript NM_006514.4 (MANE Select); coding-DNA position 4266, T replaced by A.
Protein change: p.Asn1422Lys; replaces asparagine 1422 with lysine.
Molecular consequence: missense variant.
Genome position (GRCh38, 1-based): chr3:38,709,493, A>T on the plus strand (T>A on the coding strand, the complement: SCN10A is on the minus strand). VCF-style: chr3-38709493-A-T. GRCh37 (hg19) VCF-style: chr3-38750984-A-T.
Other names: c.4263T>A, p.Asn1421Lys (NM_001293306.2); c.3972T>A, p.Asn1324Lys (NM_001293307.2); c.4266T>A (NM_006514.2); short protein forms N1422K, N1421K, N1324K.
Identifiers: ClinVar variation 565577 (VCV000565577.9), dbSNP rs1334461772, ClinGen allele CA352149573.

ClinVar aggregate classification (germline): Uncertain significance. Review status: criteria provided, multiple submitters, no conflicts (2 of 4 stars). 3 submissions from 3 submitters: Uncertain significance (3). Last evaluated 2025-03-03.

Conditions:
Cardiovascular phenotype. Identifiers: MedGen CN230736.
Brugada syndrome. Also called: Sudden unexplained nocturnal death syndrome; Sudden Unexplained Death Syndrome; Sudden Unexplained Nocturnal Death Syndrome (SUNDS); Sudden unexpected nocturnal death syndrome. Identifiers: Orphanet 130, MedGen C1142166, MONDO:0015263.

Allele frequency attached by ClinVar (database versions not stated): gnomAD 0.00001; gnomAD exomes 0.00001; TOPMed 0.00001.
gnomAD v4.1: 11 of 1,607,902 alleles (0.00068%); highest among the groups gnomAD compares: African/African-American, 0.004%; no homozygotes.

Submissions (3):

Ambry Genetics
Classification: Uncertain significance for Cardiovascular phenotype. Last evaluated: 2025-03-03. Review status: criteria provided, single submitter. Criteria: Ambry Variant Classification Scheme 2023. Collection method: clinical testing. Allele origin: germline.
Comment: The p.N1422K variant (also known as c.4266T>A), located in coding exon 24 of the SCN10A gene, results from a T to A substitution at nucleotide position 4266. The asparagine at codon 1422 is replaced by lysine, an amino acid with similar properties. This amino acid position is conserved. In addition, the in silico prediction for this alteration is inconclusive. Since supporting evidence is limited at this time, the clinical significance of this alteration remains unclear.

AiLife Diagnostics
Classification: Uncertain significance. Last evaluated: 2022-02-09. Review status: criteria provided, single submitter. Criteria: ACMG Guidelines, 2015. Collection method: clinical testing. Allele origin: germline. Affected: yes. Observed: 1 variant allele.

Labcorp Genetics (formerly Invitae), Labcorp
Classification: Uncertain significance for Brugada syndrome. Last evaluated: 2018-05-24. Review status: criteria provided, single submitter. Criteria: Invitae Variant Classification Sherloc (09022015). Collection method: clinical testing. Allele origin: germline.
Comment: Algorithms developed to predict the effect of missense changes on protein structure and function are either unavailable or do not agree on the potential impact of this missense change (SIFT: "Deleterious"; PolyPhen-2: "Probably Damaging"; Align-GVGD: "Class C0"). This variant has not been reported in the literature in individuals with SCN10A-related disease. This variant is not present in population databases (ExAC no frequency). This sequence change replaces asparagine with lysine at codon 1422 of the SCN10A protein (p.Asn1422Lys). The asparagine residue is highly conserved and there is a moderate physicochemical difference between asparagine and lysine. In summary, the available evidence is currently insufficient to determine the role of this variant in disease. Therefore, it has been classified as a Variant of Uncertain Significance.